The following is an entry in ClinVar:

ClinVar aggregate classification (germline): Uncertain significance (1 of 4 stars; one submission).

Allele frequency attached by ClinVar (database versions not stated): gnomAD exomes below 0.00001; ExAC 0.00001.
gnomAD v4.1: 2 of 1,611,272 alleles (0.00012%); highest among the groups gnomAD compares: Admixed American, 0.0033%; no homozygotes.

Submission:

Women's Health and Genetics/Laboratory Corporation of America, LabCorp
Classification: Uncertain significance. Last evaluated: 2023-10-16. Review status: criteria provided, single submitter. Criteria: LabCorp Variant Classification Summary - May 2015. Collection method: clinical testing. Allele origin: germline.
Comment: Variant summary: DNM2 c.586C>G (p.Gln196Glu) results in a conservative amino acid change located in the GTPase domain (IPR001401) of the encoded protein sequence. Three of five in-silico tools predict a benign effect of the variant on protein function. The variant allele was found at a frequency of 8.1e-06 in 245544 control chromosomes (gnomAD). The available data on variant occurrences in the general population are insufficient to allow any conclusion about variant significance. To our knowledge, no occurrence of c.586C>G in individuals affected with Autosomal Dominant Centronuclear Myopathy or other DNM2-related disorders and no experimental evidence demonstrating its impact on protein function have been reported. No submitters have cited clinical-significance assessments for this variant to ClinVar after 2014. Based on the evidence outlined above, the variant was classified as uncertain significance.

NM_001005361.3(DNM2):c.586C>G (p.Gln196Glu)

Gene: DNM2 (dynamin 2; plus strand). Cytogenetic location: 19p13.2.
Variant type: single nucleotide variant.
Coding change: c.586C>G on transcript NM_001005361.3 (MANE Select); coding-DNA position 586, C replaced by G.
Protein change: p.Gln196Glu; replaces glutamine 196 with glutamic acid.
Molecular consequence: missense variant.
Genome position (GRCh38, 1-based): chr19:10,775,903, C>G. VCF-style: chr19-10775903-C-G. GRCh37 (hg19) VCF-style: chr19-10886579-C-G.
Other names: c.586C>G, p.Gln196Glu (NM_001005360.3, NM_001005362.3, NM_001190716.2 and 1 more transcripts); short protein forms Q196E.
Identifiers: ClinVar variation 2637742 (VCV002637742.1), dbSNP rs750885534, ClinGen allele CA9200822.